The following is an entry in ClinVar:

ClinVar aggregate classification (germline): Uncertain significance (1 of 4 stars; one submission).

Submission:

Labcorp Genetics (formerly Invitae), Labcorp
Classification: Uncertain significance. Last evaluated: 2017-07-11. Review status: criteria provided, single submitter. Criteria: Invitae Variant Classification Sherloc (09022015). Collection method: clinical testing. Allele origin: germline.
Comment: This sequence change replaces proline with leucine at codon 29 of the XRCC2 protein (p.Pro29Leu). The proline residue is highly conserved and there is a moderate physicochemical difference between proline and leucine. This variant is not present in population databases (ExAC no frequency). In summary, the available evidence is currently insufficient to determine the role of this variant in disease. Therefore, it has been classified as a Variant of Uncertain Significance. Algorithms developed to predict the effect of missense changes on protein structure and function do not agree on the potential impact of this missense change (SIFT: "Deleterious"; PolyPhen-2: "Probably Damaging"; Align-GVGD: "Class C0"). This variant has not been reported in the literature in individuals with XRCC2-related disease.

NM_005431.2(XRCC2):c.86C>T (p.Pro29Leu)

Gene: XRCC2 (X-ray repair cross complementing 2; minus strand). Cytogenetic location: 7q36.1.
Variant type: single nucleotide variant.
Coding change: c.86C>T on transcript NM_005431.2 (MANE Select); coding-DNA position 86, C replaced by T.
Protein change: p.Pro29Leu; replaces proline 29 with leucine.
Molecular consequence: missense variant.
Genome position (GRCh38, 1-based): chr7:152,660,736, G>A on the plus strand (C>T on the coding strand, the complement: XRCC2 is on the minus strand). VCF-style: chr7-152660736-G-A. GRCh37 (hg19) VCF-style: chr7-152357821-G-A.
Other names: short protein forms P29L.
Identifiers: ClinVar variation 1037770 (VCV001037770.8), dbSNP rs2098032740, ClinGen allele CA370199465.